The following is an entry in ClinVar:

ClinVar aggregate classification (germline): Uncertain significance (1 of 4 stars; one submission).

Conditions:
Bethlem myopathy 1A. Also called: Bethlem Muscular Dystrophy; MYOPATHY, BENIGN CONGENITAL, WITH CONTRACTURES; Bethlem myopathy 1. Identifiers: Orphanet 610, MedGen CN029274, MONDO:0024530, OMIM 158810.

Allele frequency attached by ClinVar (database versions not stated): ExAC 0.00001; gnomAD 0.00001; gnomAD exomes 0.00001 and 0.00002; TOPMed 0.00001.

Submission:

Labcorp Genetics (formerly Invitae), Labcorp
Classification: Uncertain significance for Bethlem myopathy 1A. Last evaluated: 2023-04-22. Review status: criteria provided, single submitter. Criteria: Invitae Variant Classification Sherloc (09022015). Collection method: clinical testing. Allele origin: germline.
Comment: In summary, the available evidence is currently insufficient to determine the role of this variant in disease. Therefore, it has been classified as a Variant of Uncertain Significance. ClinVar contains an entry for this variant (Variation ID: 1041282). This variant has not been reported in the literature in individuals affected with COL6A2-related conditions. This variant is present in population databases (rs751470018, gnomAD 0.03%). This variant occurs in a non-coding region of the COL6A2 gene. It does not change the encoded amino acid sequence of the COL6A2 protein.

NM_001849.4(COL6A2):c.3060_*2dup (p.Ter1020=)

Gene: COL6A2 (collagen type VI alpha 2 chain; plus strand). Cytogenetic location: 21q22.3.
Variant type: Duplication.
Coding change: c.3060_*2dup on transcript NM_001849.4 (MANE Select); coding-DNA position 3060 through 2 bases downstream of the stop codon, 3 bases duplicated (GCG; older notation c.3060_*2dupGCG).
Protein change: p.Ter1020=.
Molecular consequence: no sequence alteration.
Genome position (GRCh38, 1-based): chr21:46,132,552-46,132,554, GCG duplicated. VCF-style (leftmost placement, unchanged base first): chr21-46132551-A-AGCG. GRCh37 (hg19) VCF-style: chr21-47552465-A-AGCG.
Identifiers: ClinVar variation 1041282 (VCV001041282.9), dbSNP rs751470018, ClinGen allele CA10073159.